The following is an entry in ClinVar:

ClinVar aggregate classification (germline): Uncertain significance (1 of 4 stars; one submission).

Submission:

GeneDx
Classification: Uncertain significance. Last evaluated: 2025-01-14. Review status: criteria provided, single submitter. Criteria: GeneDx Variant Classification Process June 2021. Collection method: clinical testing. Allele origin: germline. Affected: yes.
Comment: Not observed at significant frequency in large population cohorts (gnomAD); In silico analysis supports that this missense variant has a deleterious effect on protein structure/function; Has not been previously published as pathogenic or benign to our knowledge

NM_021625.5(TRPV4):c.1210C>G (p.Arg404Gly)

Gene: TRPV4 (transient receptor potential cation channel subfamily V member 4; minus strand). Cytogenetic location: 12q24.11.
Variant type: single nucleotide variant.
Coding change: c.1210C>G on transcript NM_021625.5 (MANE Select); coding-DNA position 1210, C replaced by G.
Protein change: p.Arg404Gly; replaces arginine 404 with glycine.
Molecular consequence: missense variant. On other transcripts: intron variant (2).
Genome position (GRCh38, 1-based): chr12:109,796,647, G>C on the plus strand (C>G on the coding strand, the complement: TRPV4 is on the minus strand). VCF-style: chr12-109796647-G-C. GRCh37 (hg19) VCF-style: chr12-110234452-G-C.
Other names: c.1069C>G, p.Arg357Gly (NM_001177428.2); c.1108C>G, p.Arg370Gly (NM_001177431.2); c.1011+1967C>G (NM_001177433.1); c.1152+1967C>G (NM_147204.2); short protein forms R357G, R370G, R404G.
Identifiers: ClinVar variation 4070720 (VCV004070720.1).
Genomic context (GRCh38, chr12:109,796,647, plus strand): 5'-GGGAGGAGAGGTCATAAAGCGAGGAATACACTGGCCCATAGGCCCAGTCCTTGAACTTGC[G>C]GGACAGGTGCCGTGTGTCCTCATCCGTCACCTCCCGCCGGATGATGTGCTGAAAGATCTG-3'
Protein context (NP_067638.3, residues 394-414): VTDEDTRHLS[Arg404Gly]KFKDWAYGPV